The following is an entry in ClinVar:

ClinVar aggregate classification (germline): Uncertain significance (1 of 4 stars; one submission).

Conditions:
TNNT2-related disorder. Also called: TNNT2-related condition.

Allele frequency attached by ClinVar (database versions not stated): TOPMed 0.00001.

Submission:

PreventionGenetics, part of Exact Sciences
Classification: Uncertain significance for TNNT2-related condition. Last evaluated: 2023-07-18. Review status: criteria provided, single submitter. Criteria: ACMG Guidelines, 2015. Collection method: clinical testing. Allele origin: germline.
Comment: The TNNT2 c.-9G>A variant is located in the 5' untranslated region. To our knowledge, this variant has not been reported in the literature or in a large population database, indicating this variant is rare. At this time, the clinical significance of this variant is uncertain due to the absence of conclusive functional and genetic evidence.

NM_001276345.2(TNNT2):c.-9G>A

Gene: TNNT2 (troponin T2, cardiac type; minus strand). Cytogenetic location: 1q32.1.
Variant type: single nucleotide variant.
Coding change: c.-9G>A on transcript NM_001276345.2 (MANE Select); 9 bases upstream of the start codon, G replaced by A.
Molecular consequence: 5 prime UTR variant. On other transcripts: intron variant (2).
Genome position (GRCh38, 1-based): chr1:201,373,263, C>T on the plus strand (G>A on the coding strand, the complement: TNNT2 is on the minus strand). VCF-style: chr1-201373263-C-T. GRCh37 (hg19) VCF-style: chr1-201342391-C-T.
Other names: c.-9G>A (NM_000364.4, NM_001001430.3, NM_001001431.3 and 7 more transcripts); c.-5-4G>A (NM_001406727.1, NM_001406724.1).
Identifiers: ClinVar variation 2631596 (VCV002631596.1), dbSNP rs1407411049, ClinGen allele CA344209196.